The following is an entry in ClinVar:

NM_138694.4(PKHD1):c.10556T>C (p.Leu3519Pro)

Gene: PKHD1 (PKHD1 ciliary IPT domain containing fibrocystin/polyductin; minus strand). Cytogenetic location: 6p12.3.
Variant type: single nucleotide variant.
Coding change: c.10556T>C on transcript NM_138694.4 (MANE Select); coding-DNA position 10556, T replaced by C.
Protein change: p.Leu3519Pro; replaces leucine 3519 with proline.
Molecular consequence: missense variant.
Genome position (GRCh38, 1-based): chr6:51,659,570, A>G on the plus strand (T>C on the coding strand, the complement: PKHD1 is on the minus strand). VCF-style: chr6-51659570-A-G. GRCh37 (hg19) VCF-style: chr6-51524368-A-G.
Other names: short protein forms L3519P.
Identifiers: ClinVar variation 458585 (VCV000458585.9), dbSNP rs769773637, ClinGen allele CA3851052.
Genomic context (GRCh38, chr6:51,659,570, plus strand): 5'-ATGATGTTGAAATAGTTGGCACCAATAGATTCATTCAGCAATAAGGAAGCTGACTGAACC[A>G]GAGTGGGTGGAATAAAACTTTCCCCTAAGAAGACGTGGGGGCTCTGGAGCTCATGGTAGA-3'
Protein context (NP_619639.3, residues 3509-3529): FLGESFIPPT[Leu3519Pro]VQSASLLLNE

ClinVar aggregate classification (germline): Uncertain significance. Review status: criteria provided, multiple submitters, no conflicts (2 of 4 stars). 5 submissions from 5 submitters: Uncertain significance (4). 1 of the submissions does not count toward it. Last evaluated 2025-09-22.

Conditions:
Polycystic kidney disease 4 (PKD4). Also called: PKD3; Autosomal Recessive Polycystic Kidney Disease – PKHD1; POLYCYSTIC KIDNEY AND HEPATIC DISEASE 1; POLYCYSTIC KIDNEY DISEASE, INFANTILE, TYPE I; POLYCYSTIC KIDNEY DISEASE 4 WITH OR WITHOUT POLYCYSTIC LIVER DISEASE. Identifiers: MedGen C4540575, MONDO:0033004, OMIM 263200.
PKHD1-related disorder. Also called: PKHD1-related condition.
Inborn genetic diseases. Identifiers: MedGen C0950123, MeSH D030342.
Autosomal recessive polycystic kidney disease (ARPKD). Also called: AR polycystic kidney disease. Identifiers: Orphanet 731, Orphanet 8378, MedGen C0085548, MeSH D017044, MONDO:0009889.

Allele frequency attached by ClinVar (database versions not stated): gnomAD 0.00001; gnomAD exomes 0.00002 and 0.00006; TOPMed 0.00002; ExAC 0.00004.
gnomAD v4.1: 32 of 1,613,664 alleles (0.002%); highest among the groups gnomAD compares: Admixed American, 0.035%; no homozygotes.

Submissions (5):

Ambry Genetics
Classification: Uncertain significance for Inborn genetic diseases. Last evaluated: 2025-09-22. Review status: criteria provided, single submitter. Criteria: Ambry Variant Classification Scheme 2023. Collection method: clinical testing. Allele origin: germline.

PreventionGenetics, part of Exact Sciences
Classification: Uncertain significance for PKHD1-related condition. Last evaluated: 2025-08-06. Review status: criteria provided, single submitter. Criteria: ACMG Guidelines, 2015. Collection method: clinical testing. Allele origin: germline.
Comment: The PKHD1 c.10556T>C variant is predicted to result in the amino acid substitution p.Leu3519Pro. To our knowledge, this variant has not been reported in the literature. This variant is reported in 0.043% of alleles in individuals of Latino descent in gnomAD (gnomAD). At this time, the clinical significance of this variant is uncertain due to the absence of conclusive functional and genetic evidence.

Labcorp Genetics (formerly Invitae), Labcorp
Classification: Uncertain significance for Autosomal recessive polycystic kidney disease. Last evaluated: 2022-06-13. Review status: criteria provided, single submitter. Criteria: Invitae Variant Classification Sherloc (09022015). Collection method: clinical testing. Allele origin: germline.
Comment: This sequence change replaces leucine, which is neutral and non-polar, with proline, which is neutral and non-polar, at codon 3519 of the PKHD1 protein (p.Leu3519Pro). This variant is present in population databases (rs769773637, gnomAD 0.04%). This variant has not been reported in the literature in individuals affected with PKHD1-related conditions. ClinVar contains an entry for this variant (Variation ID: 458585). Advanced modeling of protein sequence and biophysical properties (such as structural, functional, and spatial information, amino acid conservation, physicochemical variation, residue mobility, and thermodynamic stability) performed at Invitae indicates that this missense variant is not expected to disrupt PKHD1 protein function. In summary, the available evidence is currently insufficient to determine the role of this variant in disease. Therefore, it has been classified as a Variant of Uncertain Significance.

Fulgent Genetics
Classification: Uncertain significance for Polycystic kidney disease 4. Last evaluated: 2022-05-04. Review status: criteria provided, single submitter. Criteria: ACMG Guidelines, 2015. Collection method: clinical testing. Allele origin: unknown.

Natera, Inc.
Classification: Uncertain significance for Autosomal recessive polycystic kidney disease. Last evaluated: 2020-09-16. Review status: no assertion criteria provided. Collection method: clinical testing. Allele origin: germline. Not counted in ClinVar's aggregate classification.